The following is an entry in ClinVar:

ClinVar aggregate classification (germline): Conflicting classifications of pathogenicity. Review status: criteria provided, conflicting classifications (1 of 4 stars). 8 submissions from 8 submitters: Uncertain significance (4); Benign (1); Likely benign (3). Last evaluated 2026-09-21.

Conditions:
Cardiovascular phenotype. Identifiers: MedGen CN230736.
Long QT syndrome (LQTS). Identifiers: MedGen C0023976, MeSH D008133, MONDO:0002442. Disease mechanism: loss of function. Inheritance: Various modes of inheritance.

Allele frequency attached by ClinVar (database versions not stated): gnomAD 0.00017 and 0.00018; gnomAD exomes 0.00011 and 0.00023; ESP Exome Variant Server 0.00008; ExAC 0.00009; TOPMed 0.00014.
gnomAD v4.1: 362 of 1,613,318 alleles (0.022%); highest among the groups gnomAD compares: Non-Finnish European, 0.028%; no homozygotes.

Submissions (8):

Molecular Diagnostic Laboratory for Inherited Cardiovascular Disease, Montreal Heart Institute
Classification: Likely benign. Last evaluated: 2026-09-21. Review status: criteria provided, single submitter. Criteria: ACMG Guidelines, 2015. Collection method: clinical testing. Allele origin: germline. Affected: no.
Comment: BS1;BP4

Labcorp Genetics (formerly Invitae), Labcorp
Classification: Uncertain significance for Long QT syndrome. Last evaluated: 2026-01-18. Review status: criteria provided, single submitter. Criteria: Invitae Variant Classification Sherloc (09022015). Collection method: clinical testing. Allele origin: germline.
Comment: This sequence change falls in intron 33 of the CACNA1C gene. It does not directly change the encoded amino acid sequence of the CACNA1C protein. It affects a nucleotide within the consensus splice site. This variant is present in population databases (rs111442547, gnomAD 0.02%). This variant has not been reported in the literature in individuals affected with CACNA1C-related conditions. ClinVar contains an entry for this variant (Variation ID: 166772). Variants that disrupt the consensus splice site are a relatively common cause of aberrant splicing (PMID: 17576681, 9536098). Algorithms developed to predict the effect of sequence changes on RNA splicing suggest that this variant is not likely to affect RNA splicing. In summary, the available evidence is currently insufficient to determine the role of this variant in disease. Therefore, it has been classified as a Variant of Uncertain Significance.

ARUP Laboratories, Molecular Genetics and Genomics, ARUP Laboratories
Classification: Uncertain significance. Last evaluated: 2025-05-26. Review status: criteria provided, single submitter. Criteria: ARUP Molecular Germline Variant Investigation Process 2024. Collection method: clinical testing. Allele origin: germline.
Comment: The CACNA1C c.4140+4G>A variant (rs111442547), to our knowledge, is not reported in the medical literature but is reported in ClinVar (Variation ID: 166772). This variant is found in the non-Finnish European population with an allele frequency of 0.02% (25/127950 alleles) in the Genome Aggregation Database (v2.1.1). This is an intronic variant and computational analyses (Alamut Visual Plus v.1.12) predict that this variant does not alter splicing. However, since this variant is located within the minimal splice region, the clinical significance of this variant is uncertain at this time.

Blueprint Genetics
Classification: Likely benign. Last evaluated: 2023-11-09. Review status: criteria provided, single submitter. Criteria: ACMG Guidelines, 2015. Collection method: clinical testing. Allele origin: germline.

Revvity Omics, Revvity
Classification: Uncertain significance. Last evaluated: 2022-03-19. Review status: criteria provided, single submitter. Criteria: ACMG Guidelines, 2015. Collection method: clinical testing. Allele origin: germline.

Ambry Genetics
Classification: Likely benign for Cardiovascular phenotype. Last evaluated: 2017-12-27. Review status: criteria provided, single submitter. Criteria: Ambry Variant Classification Scheme 2023. Collection method: clinical testing. Allele origin: germline.

GeneDx
Classification: Benign. Last evaluated: 2015-03-03. Review status: criteria provided, single submitter. Criteria: GeneDx Variant Classification Process June 2021. Collection method: clinical testing. Allele origin: germline. Affected: yes.

Eurofins Ntd Llc (ga)
Classification: Uncertain significance. Last evaluated: 2014-03-03. Review status: criteria provided, single submitter. Criteria: EGL Classification Definitions 2015. Collection method: clinical testing. Allele origin: germline. Observed: 1 variant allele, 1 heterozygote.

Literature cited by the submitters: PubMed 17576681 (cited by Labcorp Genetics (formerly Invitae), Labcorp); PubMed 9536098 (cited by Labcorp Genetics (formerly Invitae), Labcorp).

NM_000719.7(CACNA1C):c.4140+4G>A

Gene: CACNA1C (calcium voltage-gated channel subunit alpha1 C; plus strand). Cytogenetic location: 12p13.33.
Variant type: single nucleotide variant.
Coding change: c.4140+4G>A on transcript NM_000719.7 (MANE Select); 4 bases into the intron after coding-DNA position 4140, G replaced by A.
Molecular consequence: intron variant.
Genome position (GRCh38, 1-based): chr12:2,653,904, G>A. VCF-style: chr12-2653904-G-A. GRCh37 (hg19) VCF-style: chr12-2763070-G-A.
Other names: c.4140+4G>A (NM_001167624.3, NM_001167623.2, NM_001129840.2 and 7 more transcripts); c.4107+4G>A (NM_001167625.2, NM_001129837.2, NM_001129838.2 and 1 more transcripts); c.4284+4G>A (NM_199460.4, NM_001129827.2); c.4200+4G>A (NM_001129832.2); c.4224+4G>A (NM_001129831.2); c.4206+4G>A (NM_001129829.2); c.4101+4G>A (NM_001129839.2); c.4191+4G>A (NM_001129836.2); and 1 more.
Identifiers: ClinVar variation 166772 (VCV000166772.25), dbSNP rs111442547, ClinGen allele CA233598.